The following is an entry in ClinVar:

ClinVar aggregate classification (germline): Likely benign. Review status: criteria provided, multiple submitters, no conflicts (2 of 4 stars). 3 submissions from 3 submitters: Likely benign (3). Last evaluated 2026-09-01.

Conditions:
Melnick-Needles syndrome (MNS). Also called: MELNICK-NEEDLES OSTEODYSPLASTY; OSTEODYSPLASTY OF MELNICK AND NEEDLES; Melnick-Needles Syndrome (FLNA-MNS). Identifiers: Orphanet 2484, MedGen C0025237, MONDO:0010650, OMIM 309350.
Heterotopia, periventricular, X-linked dominant (PVNH1). Also called: PERIVENTRICULAR NODULAR HETEROTOPIA 1; X-linked periventricular heterotopia; PERIVENTRICULAR NODULAR HETEROTOPIA 4; HETEROTOPIA, PERIVENTRICULAR, 1. Identifiers: Orphanet 2149, Orphanet 82004, MedGen C1848213, MONDO:0010233, OMIM 300049.
Oto-palato-digital syndrome, type II (OPD2). Also called: FACIOPALATOOSSEOUS SYNDROME; OPD II SYNDROME; Otopalatodigital Syndrome, Type II; Otopalatodigital Syndrome Type 2 (FLNA-OPD2). Identifiers: Orphanet 669, Orphanet 90652, MedGen C1844696, MONDO:0010571, OMIM 304120.
Frontometaphyseal dysplasia (FMD1). Identifiers: Orphanet 1826, MedGen C0265293, MONDO:0015942.
Familial thoracic aortic aneurysm and aortic dissection (TAAD). Also called: Thoracic aortic aneurysms and dissections. Identifiers: Orphanet 91387, MedGen C4707243, MONDO:0019625.

Allele frequency attached by ClinVar (database versions not stated): ExAC 0.00001; gnomAD 0.00001; gnomAD exomes 0.00001.
gnomAD v4.1: 9 of 1,207,425 alleles (0.00075%); highest among the groups gnomAD compares: South Asian, 0.0088%; no homozygotes.

Submissions (3):

CeGaT Center for Human Genetics Tuebingen
Classification: Likely benign. Last evaluated: 2026-09-01. Review status: criteria provided, single submitter. Criteria: CeGaT Center For Human Genetics Tuebingen Variant Classification Criteria Version 2. Collection method: clinical testing. Allele origin: germline. Affected: yes. Observed: 5 variant alleles.
Comment: FLNA: BP4, BP7

Labcorp Genetics (formerly Invitae), Labcorp
Classification: Likely benign for Oto-palato-digital syndrome, type II; Heterotopia, periventricular, X-linked dominant; Frontometaphyseal dysplasia; Melnick-Needles syndrome. Last evaluated: 2024-10-30. Review status: criteria provided, single submitter. Criteria: Invitae Variant Classification Sherloc (09022015). Collection method: clinical testing. Allele origin: germline.

Ambry Genetics
Classification: Likely benign for Familial thoracic aortic aneurysm and aortic dissection. Last evaluated: 2020-01-22. Review status: criteria provided, single submitter. Criteria: Ambry Variant Classification Scheme 2023. Collection method: clinical testing. Allele origin: germline.

NM_001110556.2(FLNA):c.1851G>A (p.Ser617=)

Gene: FLNA (filamin A; minus strand). Cytogenetic location: Xq28.
Variant type: single nucleotide variant.
Coding change: c.1851G>A on transcript NM_001110556.2 (MANE Select); coding-DNA position 1851, G replaced by A.
Protein change: p.Ser617=; no amino-acid change (serine 617 retained).
Molecular consequence: synonymous variant.
Genome position (GRCh38, 1-based): chrX:154,364,697, C>T on the plus strand (G>A on the coding strand, the complement: FLNA is on the minus strand). VCF-style: chrX-154364697-C-T. GRCh37 (hg19) VCF-style: chrX-153593065-C-T.
Other names: c.1851G>A, p.Ser617= (NM_001456.4).
Identifiers: ClinVar variation 1556182 (VCV001556182.33), dbSNP rs782587128, ClinGen allele CA10561062.
Genomic context (GRCh38, chrX:154,364,697, plus strand): 5'-CGGCCAGTAGCGCACATCACAGGAGCCGTCGCCCTTGTCGTCACATTCGATCTTAGCCTG[C>T]GATGGCCCTTCCACCGAGAAGCCTGACAACAGCCACCAGTCCCCTCAGTGCCCTGGAGCC-3'
Protein context (NP_001104026.1, residues 607-627): GTLGFSVEGP[Ser617=]QAKIECDDKG